The following is an entry in ClinVar:

ClinVar aggregate classification (germline): Uncertain significance (1 of 4 stars; one submission).

Conditions:
Pierpont syndrome (PRPTS). Identifiers: Orphanet 487825, MedGen C1865644, MONDO:0011213, OMIM 602342.

Allele frequency attached by ClinVar (database versions not stated): gnomAD exomes below 0.00001; TOPMed below 0.00001.
gnomAD v4.1: 1 of 1,604,606 alleles (0.000062%); highest among the groups gnomAD compares: Non-Finnish European, 0.000085%; no homozygotes.

Submission:

Labcorp Genetics (formerly Invitae), Labcorp
Classification: Uncertain significance for Pierpont syndrome. Last evaluated: 2021-03-27. Review status: criteria provided, single submitter. Criteria: Invitae Variant Classification Sherloc (09022015). Collection method: clinical testing. Allele origin: germline.
Comment: In summary, the available evidence is currently insufficient to determine the role of this variant in disease. Therefore, it has been classified as a Variant of Uncertain Significance. Advanced modeling of protein sequence and biophysical properties (such as structural, functional, and spatial information, amino acid conservation, physicochemical variation, residue mobility, and thermodynamic stability) performed at Invitae indicates that this missense variant is expected to disrupt TBL1XR1 protein function. This variant has not been reported in the literature in individuals with TBL1XR1-related conditions. This variant is not present in population databases (ExAC no frequency). This sequence change replaces cysteine with tyrosine at codon 434 of the TBL1XR1 protein (p.Cys434Tyr). The cysteine residue is highly conserved and there is a large physicochemical difference between cysteine and tyrosine.

NM_024665.7(TBL1XR1):c.1301G>A (p.Cys434Tyr)

Gene: TBL1XR1 (TBL1X/Y related 1; minus strand). Cytogenetic location: 3q26.32.
Variant type: single nucleotide variant.
Coding change: c.1301G>A on transcript NM_024665.7 (MANE Select); coding-DNA position 1301, G replaced by A.
Protein change: p.Cys434Tyr; replaces cysteine 434 with tyrosine.
Molecular consequence: missense variant.
Genome position (GRCh38, 1-based): chr3:177,033,086, C>T on the plus strand (G>A on the coding strand, the complement: TBL1XR1 is on the minus strand). VCF-style: chr3-177033086-C-T. GRCh37 (hg19) VCF-style: chr3-176750874-C-T.
Other names: c.1301G>A, p.Cys434Tyr (NM_001321193.3, NM_001321194.3, NM_001374327.1 and 2 more transcripts); c.1040G>A, p.Cys347Tyr (NM_001321195.3, NM_001374330.1); short protein forms C434Y, C347Y.
Identifiers: ClinVar variation 1413829 (VCV001413829.8), dbSNP rs1372547105, ClinGen allele CA355554444.